The following is an entry in ClinVar:

NM_000518.5(HBB):c.93-15T>G

Genes: HBB (hemoglobin subunit beta; minus strand), LOC106099062 (HBB recombination region; plus strand), LOC107133510 (origin of replication at HBB; plus strand). Cytogenetic location: 11p15.4.
Variant type: single nucleotide variant.
Coding change: c.93-15T>G on transcript NM_000518.5 (MANE Select); 15 bases into the intron before coding-DNA position 93, T replaced by G.
Molecular consequence: intron variant.
Genome position (GRCh38, 1-based): chr11:5,226,814, A>C on the plus strand (T>G on the coding strand, the complement: HBB is on the minus strand). VCF-style: chr11-5226814-A-C. GRCh37 (hg19) VCF-style: chr11-5248044-A-C.
Other names: HBB:c.93-15T>G; IVS-I-116 (T->G) beta0; IVS I-116 (T>G); IVS1, T-G, +16.
Identifiers: ClinVar variation 550356 (VCV000550356.15), dbSNP rs35456885, ClinGen allele CA217114761.

ClinVar aggregate classification (germline): Pathogenic. Review status: criteria provided, multiple submitters, no conflicts (2 of 4 stars). 8 submissions from 8 submitters: Pathogenic (4). 4 of the submissions do not count toward it. Last evaluated 2026-01-09.

Conditions:
Beta-thalassemia HBB/LCRB. Identifiers: MedGen CN322236, MONDO:0013517, OMIM 613985.
Beta zero thalassemia. Identifiers: MedGen C0271980.
beta Thalassemia (BTHAL). Also called: Cooley's anemia; Erythroblastic anemia; Mediterranean anemia. Identifiers: Orphanet 848, MedGen C0005283, MONDO:0019402. Disease mechanism: loss of function.

Allele frequency attached by ClinVar (database versions not stated): gnomAD exomes below 0.00001.
gnomAD v4.1: 1 of 1,611,236 alleles (0.000062%); highest among the groups gnomAD compares: Non-Finnish European, 0.000085%; no homozygotes.

Submissions (8):

Women's Health and Genetics/Laboratory Corporation of America, LabCorp
Classification: Pathogenic for beta Thalassemia. Last evaluated: 2026-01-09. Review status: criteria provided, single submitter. Criteria: LabCorp Variant Classification Summary - May 2015. Collection method: clinical testing. Allele origin: germline.
Comment: Variant summary: HBB c.93-15T>G alters a nucleotide located at a position not widely known to affect splicing. Several computational tools predict a significant impact on normal splicing: Two predict the variant creates a 3' acceptor site. At least one publication reports experimental evidence that this variant affects mRNA splicing. Transient expression studies revealed a 4-fold decrease in the amount of RNA produced with > 99% of it being abnormally spliced (example: Metherall_1986). The variant was absent in 251052 control chromosomes. c.93-15T>G has been observed in multiple individuals affected with Beta Thalassemia (e.g. Metherall_1986, Chouk_2004, Jarjour_2014, Hantaweepant_2023). These data indicate that the variant is very likely to be associated with disease. The following publications have been ascertained in the context of this evaluation (PMID: 18096416, 15481885, 24828949, 3780671, 9495372, 36939018). ClinVar contains an entry for this variant (Variation ID: 550356). Based on the evidence outlined above, the variant was classified as pathogenic.

Quest Diagnostics Nichols Institute San Juan Capistrano
Classification: Pathogenic. Last evaluated: 2025-06-11. Review status: criteria provided, single submitter. Criteria: Quest Diagnostics criteria. Collection method: clinical testing. Allele origin: unknown.
Comment: The HBB c.93-15T>G variant has been reported in the published literature in individuals with beta(0)-thalassemia (PMID: 9495372 (1998), 15481885 (2004), 18096416 (2008), 24828949 (2014), 26076395 (2015)). This variant (also known as IVS-I-116 (T>G)) leads to the creation of a new splice-acceptor site and causes the synthesis of an abnormally spliced mRNA (PMID: 3780671 (1996)). No normal beta-globin mRNA is synthesized from the mutant allele (PMID: 3780671 (1996)). This variant has not been reported in large, multi-ethnic general populations (Genome Aggregation Database). Based on the available information, this variant is classified as pathogenic.

GeneDx
Classification: Pathogenic. Last evaluated: 2024-12-14. Review status: criteria provided, single submitter. Criteria: GeneDx Variant Classification Process June 2021. Collection method: clinical testing. Allele origin: germline. Affected: yes.
Comment: Non-canonical splice site variant demonstrated to result in loss of function (PMID: 3780671); Not observed at significant frequency in large population cohorts (gnomAD); This variant is associated with the following publications: (PMID: 3780671, 20704537, 20863160, 15108284, 18096416, 15481885, 31286593, 24828949, 9495372, 27785405, 34794358, Sheth2022[CaseReport], 27351925)

Laboratory of Medical Genetics, National & Kapodistrian University of Athens
Classification: Pathogenic for Beta-thalassemia HBB/LCRB. Last evaluated: 2024-02-01. Review status: criteria provided, single submitter. Criteria: ACMG Guidelines, 2015. Collection method: curation. Allele origin: germline. Affected: no.

The ITHANET community portal, The Cyprus Institute of Neurology and Genetics
Classification: Pathogenic for beta Thalassemia. Last evaluated: 2019-11-25. Review status: no assertion criteria provided. Collection method: curation. Allele origin: germline. Not counted in ClinVar's aggregate classification.

Natera, Inc.
Classification: Pathogenic for Beta thalassemia. Last evaluated: 2017-03-17. Review status: no assertion criteria provided. Collection method: clinical testing. Allele origin: germline. Not counted in ClinVar's aggregate classification.

Counsyl
Classification: Likely pathogenic for Beta-thalassemia HBB/LCRB. Last evaluated: 2017-01-10. Review status: no assertion criteria provided. Collection method: clinical testing. Allele origin: unknown. Not counted in ClinVar's aggregate classification.

OMIM
Classification: Pathogenic for BETA-ZERO-THALASSEMIA. Last evaluated: 1986-10-01. Review status: no assertion criteria provided. Collection method: literature only. Allele origin: germline. Not counted in ClinVar's aggregate classification.

Literature cited by the submitters: PubMed 3780671 (cited by 5 submitters); PubMed 15481885 (cited by 3 submitters); PubMed 18096416 (cited by Women's Health and Genetics/Laboratory Corporation of America, LabCorp and Quest Diagnostics Nichols Institute San Juan Capistrano); PubMed 9495372 (cited by Women's Health and Genetics/Laboratory Corporation of America, LabCorp and Quest Diagnostics Nichols Institute San Juan Capistrano); PubMed 24828949 (cited by 3 submitters); PubMed 36939018 (cited by Women's Health and Genetics/Laboratory Corporation of America, LabCorp); PubMed 26076395 (cited by Quest Diagnostics Nichols Institute San Juan Capistrano and Counsyl).